The following is an entry in ClinVar:

NM_001143986.2(TLE6):c.1095G>A (p.Ala365=)

Gene: TLE6 (TLE family member 6, subcortical maternal complex member; plus strand). Cytogenetic location: 19p13.3.
Variant type: single nucleotide variant.
Coding change: c.1095G>A on transcript NM_001143986.2 (MANE Select); coding-DNA position 1095, G replaced by A.
Protein change: p.Ala365=; no amino-acid change (alanine 365 retained).
Molecular consequence: synonymous variant.
Genome position (GRCh38, 1-based): chr19:2,989,636, G>A. VCF-style: chr19-2989636-G-A. GRCh37 (hg19) VCF-style: chr19-2989634-G-A.
Other names: c.726G>A, p.Ala242= (NM_024760.3).
Identifiers: ClinVar variation 3048524 (VCV003048524.2), dbSNP rs201015790, ClinGen allele CA9072958.

ClinVar aggregate classification (germline): Likely benign (0 of 4 stars; one submission).

Conditions:
TLE6-related disorder. Also called: TLE6-related condition.

Allele frequency attached by ClinVar (database versions not stated): 1000 Genomes Project 30x 0.00016; 1000 Genomes Project 0.00020; ESP Exome Variant Server 0.00038.
gnomAD v4.1: 1,020 of 1,614,136 alleles (0.063%); highest among the groups gnomAD compares: Non-Finnish European, 0.083%; 1 homozygote.

Submission:

PreventionGenetics, part of Exact Sciences
Classification: Likely benign for TLE6-related condition. Last evaluated: 2019-04-03. Review status: no assertion criteria provided. Collection method: clinical testing. Allele origin: germline.
Comment: This variant is classified as likely benign based on ACMG/AMP sequence variant interpretation guidelines (Richards et al. 2015 PMID: 25741868, with internal and published modifications).